The following is an entry in ClinVar:

NM_006206.6(PDGFRA):c.1A>T (p.Met1Leu)

Gene: PDGFRA (platelet derived growth factor receptor alpha; plus strand). Cytogenetic location: 4q12.
Variant type: single nucleotide variant.
Coding change: c.1A>T on transcript NM_006206.6 (MANE Select); coding-DNA position 1, A replaced by T.
Protein change: p.Met1Leu; changes the start codon (methionine 1).
Molecular consequence: missense variant, initiator codon variant.
Genome position (GRCh38, 1-based): chr4:54,258,769, A>T. VCF-style: chr4-54258769-A-T. GRCh37 (hg19) VCF-style: chr4-55124936-A-T.
Other names: c.40A>T, p.Met14Leu (NM_001347830.2); c.1A>T, p.Met1Leu (NM_001347827.2, NM_001347829.2); c.76A>T, p.Met26Leu (NM_001347828.2); short protein forms M26L, M14L, M1L.
Identifiers: ClinVar variation 2849638 (VCV002849638.3), dbSNP rs1722515609, ClinGen allele CA356888034.
Genomic context (GRCh38, chr4:54,258,769, plus strand): 5'-TTGTTTCTATTTGCTAATGCTGTTTCTGTTGACTTTTGACTTTTCTAGTTTCCCAGAGCT[A>T]TGGGGACTTCCCATCCGGCGTTCCTGGTCTTAGGCTGTCTTCTCACAGGTACGGAGCCCA-3'
Protein context (NP_006197.1, residues 1-11): [Met1Leu]GTSHPAFLVL

ClinVar aggregate classification (germline): Uncertain significance (1 of 4 stars; one submission).

Conditions:
Gastrointestinal stromal tumor. Also called: Gastrointestinal stromal tumor, somatic; Gastrointestinal stroma tumor. Identifiers: Orphanet 44890, MedGen C0238198, MeSH D046152, MONDO:0011719, OMIM 606764, HP:0100723.

Submission:

Labcorp Genetics (formerly Invitae), Labcorp
Classification: Uncertain significance for Gastrointestinal stromal tumor. Last evaluated: 2023-03-26. Review status: criteria provided, single submitter. Criteria: Invitae Variant Classification Sherloc (09022015). Collection method: clinical testing. Allele origin: germline.
Comment: In summary, the available evidence is currently insufficient to determine the role of this variant in disease. Therefore, it has been classified as a Variant of Uncertain Significance. Experimental studies and prediction algorithms are not available or were not evaluated, and the functional significance of this variant is currently unknown. This variant has not been reported in the literature in individuals affected with PDGFRA-related conditions. This variant is not present in population databases (gnomAD no frequency). This sequence change affects the initiator methionine of the PDGFRA mRNA. The next in-frame methionine is located at codon 61.